The following is an entry in ClinVar:

NM_000140.5(FECH):c.385G>A (p.Gly129Arg)

Gene: FECH (ferrochelatase; minus strand). Cytogenetic location: 18q21.31.
Variant type: single nucleotide variant.
Coding change: c.385G>A on transcript NM_000140.5 (MANE Select); coding-DNA position 385, G replaced by A.
Protein change: p.Gly129Arg; replaces glycine 129 with arginine.
Molecular consequence: missense variant.
Genome position (GRCh38, 1-based): chr18:57,571,470, C>T on the plus strand (G>A on the coding strand, the complement: FECH is on the minus strand). VCF-style: chr18-57571470-C-T. GRCh37 (hg19) VCF-style: chr18-55238702-C-T.
Other names: c.403G>A, p.Gly135Arg (NM_001012515.4); c.385G>A, p.Gly129Arg (NM_001371094.1, NM_001374778.1); c.169G>A, p.Gly57Arg (NM_001371095.1); short protein forms G129R, G135R, G57R.
Identifiers: ClinVar variation 4979067 (VCV004979067.1), dbSNP rs138714094.

ClinVar aggregate classification (germline): Uncertain significance (1 of 4 stars; one submission).

Conditions:
FECH-related disorder. Also called: FECH-related condition.

Allele frequency attached by ClinVar (database versions not stated): ExAC 0.00009; gnomAD 0.00010 and 0.00011; gnomAD exomes 0.00012 and 0.00022; TOPMed 0.00015; ESP Exome Variant Server 0.00023; 1000 Genomes Project 0.00080; 1000 Genomes Project 30x 0.00094.

Submission:

PreventionGenetics, part of Exact Sciences
Classification: Uncertain significance for FECH-related condition. Last evaluated: 2025-05-15. Review status: criteria provided, single submitter. Criteria: ACMG Guidelines, 2015. Collection method: clinical testing. Allele origin: germline.
Comment: The FECH c.385G>A variant is predicted to result in the amino acid substitution p.Gly129Arg. To our knowledge, this variant has not been reported in the literature. This variant is reported in 0.028% of alleles in individuals of African descent in gnomAD. At this time, the clinical significance of this variant is uncertain due to the absence of conclusive functional and genetic evidence.